The following is an entry in ClinVar:

NM_025000.4(DCAF17):c.535C>T (p.Gln179Ter)

Gene: DCAF17 (DDB1 and CUL4 associated factor 17; plus strand). Cytogenetic location: 2q31.1.
Variant type: single nucleotide variant.
Coding change: c.535C>T on transcript NM_025000.4 (MANE Select); coding-DNA position 535, C replaced by T.
Protein change: p.Gln179Ter; replaces glutamine 179 with a stop codon.
Molecular consequence: nonsense. On other transcripts: non-coding transcript variant (1).
Genome position (GRCh38, 1-based): chr2:171,449,955, C>T. VCF-style: chr2-171449955-C-T. GRCh37 (hg19) VCF-style: chr2-172306465-C-T.
Other names: c.535C>T, p.Gln179Ter (NM_001164821.2); short protein forms Q179*.
Identifiers: ClinVar variation 2717550 (VCV002717550.3), dbSNP rs1279603411, ClinGen allele CA349277026.

ClinVar aggregate classification (germline): Pathogenic (1 of 4 stars; one submission).

Conditions:
Woodhouse-Sakati syndrome. Also called: Hypogonadism, Alopecia, Diabetes Mellitus, Mental Retardation, and Extrapyramidal Syndrome; Hypogonadism, diabetes mellitus, alopecia, mental retardation and electrocardiographic abnormalities; EXTRAPYRAMIDAL DISORDER, PROGRESSIVE, WITH PRIMARY HYPOGONADISM, MENTAL RETARDATION, AND ALOPECIA. Identifiers: Orphanet 3464, MedGen C0342286, MONDO:0009419, OMIM 241080.

Allele frequency attached by ClinVar (database versions not stated): gnomAD 0.00001; gnomAD exomes 0.00001; TOPMed 0.00001.

Submission:

Labcorp Genetics (formerly Invitae), Labcorp
Classification: Pathogenic for Woodhouse-Sakati syndrome. Last evaluated: 2023-05-26. Review status: criteria provided, single submitter. Criteria: Invitae Variant Classification Sherloc (09022015). Collection method: clinical testing. Allele origin: germline.
Comment: This sequence change creates a premature translational stop signal (p.Gln179*) in the DCAF17 gene. It is expected to result in an absent or disrupted protein product. Loss-of-function variants in DCAF17 are known to be pathogenic (PMID: 19026396, 20507343). This variant is present in population databases (no rsID available, gnomAD 0.007%). Algorithms developed to predict the effect of sequence changes on RNA splicing suggest that this variant may disrupt the consensus splice site. For these reasons, this variant has been classified as Pathogenic. This premature translational stop signal has been observed in individual(s) with syndromic hypergonadotropic hypogonadism (PMID: 29178422).

Literature cited by the submitters: PubMed 19026396; PubMed 20507343; PubMed 29178422.